The following is an entry in ClinVar:

ClinVar aggregate classification (germline): Conflicting classifications of pathogenicity. Review status: criteria provided, conflicting classifications (1 of 4 stars). 6 submissions from 6 submitters: Uncertain significance (2); Likely benign (3). 1 of the submissions does not count toward it. Last evaluated 2026-02-01.

Conditions:
CYBA-related disorder. Also called: CYBA-related condition.
Granulomatous disease, chronic, autosomal recessive, cytochrome b-negative. Also called: CYBA DEFICIENCY; GRANULOMATOUS DISEASE, CHRONIC, AUTOSOMAL RECESSIVE, 4; Chronic granulomatous disease, autosomal, due to deficiency of CYBA; CGD DUE TO DEFICIENCY OF THE ALPHA SUBUNIT OF CYTOCHROME b; CGD, AUTOSOMAL RECESSIVE CYTOCHROME b-NEGATIVE. Identifiers: Orphanet 379, MedGen C1856255, MONDO:0009308, OMIM 233690.

Allele frequency attached by ClinVar (database versions not stated): ESP Exome Variant Server 0.00008; TOPMed 0.00022.

Submissions (6):

Labcorp Genetics (formerly Invitae), Labcorp
Classification: Likely benign for Granulomatous disease, chronic, autosomal recessive, cytochrome b-negative. Last evaluated: 2026-02-01. Review status: criteria provided, single submitter. Criteria: Invitae Variant Classification Sherloc (09022015). Collection method: clinical testing. Allele origin: germline.

Laboratory of Genetics, Children's Clinical University Hospital Latvia
Classification: Likely benign. Last evaluated: 2025-02-16. Review status: criteria provided, single submitter. Criteria: ACMG Guidelines, 2015. Collection method: clinical testing. Allele origin: germline. Affected: yes.

Blueprint Genetics
Classification: Likely benign. Last evaluated: 2024-10-11. Review status: criteria provided, single submitter. Criteria: ACMG Guidelines, 2015. Collection method: clinical testing. Allele origin: germline.

Laboratorio de Genetica e Diagnostico Molecular, Hospital Israelita Albert Einstein
Classification: Uncertain significance. Last evaluated: 2020-06-24. Review status: criteria provided, single submitter. Criteria: ACMG Guidelines, 2015. Collection method: clinical testing. Allele origin: germline. Affected: yes.
Comment: ACMG classification criteria: PM2

Eurofins Ntd Llc (ga)
Classification: Uncertain significance. Last evaluated: 2016-01-22. Review status: criteria provided, single submitter. Criteria: EGL Classification Definitions 2015. Collection method: clinical testing. Allele origin: germline. Observed: 1 variant allele, 1 heterozygote.

PreventionGenetics, part of Exact Sciences
Classification: Likely benign for CYBA-related condition. Last evaluated: 2023-12-06. Review status: no assertion criteria provided. Collection method: clinical testing. Allele origin: germline. Not counted in ClinVar's aggregate classification.
Comment: This variant is classified as likely benign based on ACMG/AMP sequence variant interpretation guidelines (Richards et al. 2015 PMID: 25741868, with internal and published modifications).

NM_000101.4(CYBA):c.204-4C>A

Gene: CYBA (cytochrome b-245 alpha chain; minus strand). Cytogenetic location: 16q24.2.
Variant type: single nucleotide variant.
Coding change: c.204-4C>A on transcript NM_000101.4 (MANE Select); 4 bases into the intron before coding-DNA position 204, C replaced by A.
Molecular consequence: intron variant.
Genome position (GRCh38, 1-based): chr16:88,646,842, G>T on the plus strand (C>A on the coding strand, the complement: CYBA is on the minus strand). VCF-style: chr16-88646842-G-T. GRCh37 (hg19) VCF-style: chr16-88713250-G-T.
Identifiers: ClinVar variation 285794 (VCV000285794.21), dbSNP rs377055239, ClinGen allele CA8228355.